The following is an entry in ClinVar:

NM_172351.3(CD46):c.1110A>G (p.Arg370=)

Gene: CD46 (CD46 molecule; plus strand). Cytogenetic location: 1q32.2.
Variant type: single nucleotide variant.
Coding change: c.1110A>G on transcript NM_172351.3 (MANE Select); coding-DNA position 1110, A replaced by G.
Protein change: p.Arg370=; no amino-acid change (arginine 370 retained).
Molecular consequence: synonymous variant. On other transcripts: intron variant (7).
Genome position (GRCh38, 1-based): chr1:207,790,280, A>G. VCF-style: chr1-207790280-A-G. GRCh37 (hg19) VCF-style: chr1-207963625-A-G.
Other names: p.Arg385=; c.1155A>G, p.Arg385= (NM_002389.4); c.1065A>G, p.Arg355= (NM_172352.3); c.1068A>G, p.Arg356= (NM_172355.3); c.1023A>G, p.Arg341= (NM_172357.3); c.1128-3239A>G (NM_172359.3); c.1083-3239A>G (NM_153826.4); c.1046-3239A>G (NM_172358.3); and 4 more.
Identifiers: ClinVar variation 1958852 (VCV001958852.7), dbSNP rs768194398, ClinGen allele CA1371907.

ClinVar aggregate classification (germline): Likely benign. Review status: criteria provided, multiple submitters, no conflicts (2 of 4 stars). 3 submissions from 3 submitters: Likely benign (3). Last evaluated 2025-05-13.

Allele frequency attached by ClinVar (database versions not stated): gnomAD exomes 0.00001; TOPMed 0.00001; ExAC 0.00003.
gnomAD v4.1: 12 of 1,598,070 alleles (0.00075%); highest among the groups gnomAD compares: Non-Finnish European, 0.001%; no homozygotes.

Submissions (3):

Mayo Clinic Laboratories, Mayo Clinic
Classification: Likely benign. Last evaluated: 2025-05-13. Review status: criteria provided, single submitter. Criteria: ACMG Guidelines, 2015. Collection method: clinical testing. Allele origin: germline. Observed: 1 variant allele.
Comment: BP4, BP7

Labcorp Genetics (formerly Invitae), Labcorp
Classification: Likely benign. Last evaluated: 2024-08-28. Review status: criteria provided, single submitter. Criteria: Invitae Variant Classification Sherloc (09022015). Collection method: clinical testing. Allele origin: germline.

Blueprint Genetics
Classification: Likely benign. Last evaluated: 2022-06-28. Review status: criteria provided, single submitter. Criteria: ACMG Guidelines, 2015. Collection method: clinical testing. Allele origin: germline.